The following is an entry in ClinVar:

NM_001105247.2(ARMC5):c.1502C>T (p.Pro501Leu)

Gene: ARMC5 (armadillo repeat containing 5; plus strand). Cytogenetic location: 16p11.2.
Variant type: single nucleotide variant.
Coding change: c.1502C>T on transcript NM_001105247.2 (MANE Select); coding-DNA position 1502, C replaced by T.
Protein change: p.Pro501Leu; replaces proline 501 with leucine.
Molecular consequence: missense variant.
Genome position (GRCh38, 1-based): chr16:31,464,525, C>T. VCF-style: chr16-31464525-C-T. GRCh37 (hg19) VCF-style: chr16-31475846-C-T.
Other names: c.1787C>T, p.Pro596Leu (NM_001288767.2); c.1598C>T, p.Pro533Leu (NM_001301820.1); c.1502C>T, p.Pro501Leu (NM_024742.2); short protein forms P501L, P533L, P596L.
Identifiers: ClinVar variation 2629617 (VCV002629617.1), dbSNP rs2544859363, ClinGen allele CA395735725.

ClinVar aggregate classification (germline): Uncertain significance (1 of 4 stars; one submission).

Conditions:
ARMC5-related disorder. Also called: ARMC5-related condition.

Submission:

PreventionGenetics, part of Exact Sciences
Classification: Uncertain significance for ARMC5-related condition. Last evaluated: 2022-12-29. Review status: criteria provided, single submitter. Criteria: ACMG Guidelines, 2015. Collection method: clinical testing. Allele origin: germline.
Comment: The ARMC5 c.1787C>T variant is predicted to result in the amino acid substitution p.Pro596Leu. To our knowledge, this variant has not been reported in the literature or in a large population database, indicating this variant is rare. At this time, the clinical significance of this variant is uncertain due to the absence of conclusive functional and genetic evidence.